The following is an entry in ClinVar:

ClinVar aggregate classification (germline): Pathogenic/Likely pathogenic. Review status: criteria provided, multiple submitters, no conflicts (2 of 4 stars). 2 submissions from 2 submitters: Pathogenic (1); Likely pathogenic (1). Last evaluated 2026-04-14.

Conditions:
Familial intrahepatic cholestasis. Identifiers: Orphanet 284385, MedGen CN296401, MONDO:0017290.
Progressive familial intrahepatic cholestasis type 2. Identifiers: Orphanet 79304, MedGen C3489789, MONDO:0011156, OMIM 601847.

Submissions (2):

Genomenon, Inc
Classification: Pathogenic for Familial intrahepatic cholestasis. Last evaluated: 2026-04-14. Review status: criteria provided, single submitter. Criteria: Genomenon Sequence Variant Interpretation Standards - Updated. Collection method: curation. Allele origin: germline. Affected: yes.
Comment: ABCB11 p.Asn199IlefsTer15 (c.596del) is a frameshift variant that results in the production of a truncated protein which is predicted to undergo nonsense-mediated mRNA decay. This variant has been observed in at least one proband with an ABCB11-related disorder (PMID:28733223). It is absent or not present at a significant frequency in gnomAD. In conclusion, we classify ABCB11 p.Asn199IlefsTer15 (c.596del) as a pathogenic variant.

Broad Center for Mendelian Genomics, Broad Institute of MIT and Harvard
Classification: Likely pathogenic for Progressive familial intrahepatic cholestasis type 2. Last evaluated: 2025-02-03. Review status: criteria provided, single submitter. Criteria: ACMG Guidelines, 2015. Collection method: curation. Allele origin: germline. Inheritance: Autosomal recessive inheritance.
Comment: The p.Asn199IlefsTer15 variant in ABCB11 has been reported in 1 individual, in the compound heterozygous state, with BSEP deficiency (PMID: 28733223), and has been identified in 0.00008% (1/1178810) of European (non-Finnish) chromosomes by the Genome Aggregation Database (gnomAD). Although this variant has been seen in the general population in a heterozygous state, its frequency is low enough to be consistent with a recessive carrier frequency. This variant is predicted to cause a frameshift, which alters the protein‚Äôs amino acid sequence beginning at position 199 and leads to a premature termination codon 15 amino acids downstream. This alteration is then predicted to lead to a truncated or absent protein. Loss of function of the ABCB11 gene is an established disease mechanism in autosomal recessive BSEP deficiency. In summary, although additional studies are required to fully establish its clinical significance, this variant is likely pathogenic for autosomal recessive BSEP deficiency. ACMG/AMP criteria applied: PVS1, PM2_supporting (Richards 2015).

Literature cited by the submitters: PubMed 28733223 (cited by Genomenon, Inc).

NM_003742.4(ABCB11):c.596del (p.Asn199fs)

Gene: ABCB11 (ATP binding cassette subfamily B member 11; minus strand). Cytogenetic location: 2q31.1.
Variant type: Deletion.
Coding change: c.596del on transcript NM_003742.4 (MANE Select); coding-DNA position 596, one base deleted (A; older notation c.596delA).
Protein change: p.Asn199fs; shifts the reading frame from asparagine 199.
Molecular consequence: frameshift variant.
Genome position (GRCh38, 1-based): chr2:168,995,364, T deleted on the plus strand (A on the coding strand, the reverse complement: ABCB11 is on the minus strand); the first of 2 consecutive T bases (chr2:168,995,364-168,995,365); deleting either gives the same sequence. VCF-style (leftmost placement, unchanged base first): chr2-168995363-AT-A. GRCh37 (hg19) VCF-style: chr2-169851873-AT-A.
Other names: NM_003742.4:c.596del; short protein forms N199fs.
Identifiers: ClinVar variation 3776880 (VCV003776880.2).